The following is an entry in ClinVar:

ClinVar aggregate classification (germline): Pathogenic (1 of 4 stars; one submission).

Submission:

Labcorp Genetics (formerly Invitae), Labcorp
Classification: Pathogenic. Last evaluated: 2023-03-13. Review status: criteria provided, single submitter. Criteria: Invitae Variant Classification Sherloc (09022015). Collection method: clinical testing. Allele origin: germline.
Comment: For these reasons, this variant has been classified as Pathogenic. ClinVar contains an entry for this variant (Variation ID: 1455938). This variant has not been reported in the literature in individuals affected with ZNF341-related conditions. This variant is present in population databases (no rsID available, gnomAD 0.003%). This sequence change creates a premature translational stop signal (p.Gly267Alafs*16) in the ZNF341 gene. It is expected to result in an absent or disrupted protein product. Loss-of-function variants in ZNF341 are known to be pathogenic (PMID: 29907690, 29907691).

Literature cited by the submitters: PubMed 29907690; PubMed 29907691.

NM_001282933.2(ZNF341):c.800del (p.Gly267fs)

Gene: ZNF341 (zinc finger protein 341; plus strand). Cytogenetic location: 20q11.22.
Variant type: Deletion.
Coding change: c.800del on transcript NM_001282933.2 (MANE Select); coding-DNA position 800, one base deleted (G; older notation c.800delG).
Protein change: p.Gly267fs; shifts the reading frame from glycine 267.
Molecular consequence: frameshift variant. On other transcripts: non-coding transcript variant (1).
Genome position (GRCh38, 1-based): chr20:33,757,206, G deleted; the last of 2 consecutive G bases (chr20:33,757,205-33,757,206); deleting either gives the same sequence. VCF-style (leftmost placement, unchanged base first): chr20-33757204-TG-T. GRCh37 (hg19) VCF-style: chr20-32345010-TG-T.
Other names: c.530del, p.Gly177fs (NM_001282935.2); c.800del, p.Gly267fs (NM_032819.5); short protein forms G267fs, G177fs.
Identifiers: ClinVar variation 1455938 (VCV001455938.6), dbSNP rs1385527728, ClinGen allele CA635297744.